The following is an entry in ClinVar:

ClinVar aggregate classification (germline): Uncertain significance. Review status: criteria provided, multiple submitters, no conflicts (2 of 4 stars). 2 submissions from 2 submitters: Uncertain significance (2). Last evaluated 2025-06-10.

Conditions:
Combined oxidative phosphorylation defect type 14. Also called: Combined oxidative phosphorylation deficiency 14. Identifiers: Orphanet 319519, MedGen C4755312, MONDO:0013986, OMIM 614946.
Inborn genetic diseases. Identifiers: MedGen C0950123, MeSH D030342.

Allele frequency attached by ClinVar (database versions not stated): gnomAD exomes below 0.00001; TOPMed below 0.00001; gnomAD 0.00001.
gnomAD v4.1: 7 of 1,613,994 alleles (0.00043%); highest among the groups gnomAD compares: Non-Finnish European, 0.00042%; no homozygotes.

Submissions (2):

Ambry Genetics
Classification: Uncertain significance for Inborn genetic diseases. Last evaluated: 2025-06-10. Review status: criteria provided, single submitter. Criteria: Ambry Variant Classification Scheme 2023. Collection method: clinical testing. Allele origin: germline.

Labcorp Genetics (formerly Invitae), Labcorp
Classification: Uncertain significance for Combined oxidative phosphorylation defect type 14. Last evaluated: 2024-10-28. Review status: criteria provided, single submitter. Criteria: Invitae Variant Classification Sherloc (09022015). Collection method: clinical testing. Allele origin: germline.
Comment: This sequence change replaces glutamic acid, which is acidic and polar, with glycine, which is neutral and non-polar, at codon 95 of the FARS2 protein (p.Glu95Gly). This variant is present in population databases (no rsID available, gnomAD 0.007%). This variant has not been reported in the literature in individuals affected with FARS2-related conditions. ClinVar contains an entry for this variant (Variation ID: 2191367). Invitae Evidence Modeling of protein sequence and biophysical properties (such as structural, functional, and spatial information, amino acid conservation, physicochemical variation, residue mobility, and thermodynamic stability) indicates that this missense variant is not expected to disrupt FARS2 protein function with a negative predictive value of 80%. In summary, the available evidence is currently insufficient to determine the role of this variant in disease. Therefore, it has been classified as a Variant of Uncertain Significance.

NM_006567.5(FARS2):c.284A>G (p.Glu95Gly)

Genes: FARS2 (phenylalanyl-tRNA synthetase 2, mitochondrial; plus strand), LOC126859565 (CDK7 strongly-dependent group 2 enhancer GRCh37_chr6:5368745-5369944; plus strand). Cytogenetic location: 6p25.1.
Variant type: single nucleotide variant.
Coding change: c.284A>G on transcript NM_006567.5 (MANE Select); coding-DNA position 284, A replaced by G.
Protein change: p.Glu95Gly; replaces glutamic acid 95 with glycine.
Molecular consequence: missense variant. On other transcripts: intron variant (2).
Genome position (GRCh38, 1-based): chr6:5,368,854, A>G. VCF-style: chr6-5368854-A-G. GRCh37 (hg19) VCF-style: chr6-5369087-A-G.
Other names: c.284A>G, p.Glu95Gly (NM_001318872.2, NM_001374875.1, NM_001374876.1 and 5 more transcripts); c.-340-27779A>G (NM_001375260.1); c.-84-35688A>G (NM_001375259.1); c.284A>G (NM_006567.3); short protein forms E95G.
Identifiers: ClinVar variation 2191367 (VCV002191367.5), dbSNP rs1393644699, ClinGen allele CA362734949.
Genomic context (GRCh38, chr6:5,368,854, plus strand): 5'-GCAGGAACCTGCACAACCAGCAGCATCACCCTCTGTGGCTGATCAAGGAGAGGGTGAAGG[A>G]GCACTTCTACAAGCAGTATGTGGGCCGCTTTGGGACCCCGTTGTTCTCGGTCTACGACAA-3'
Protein context (NP_006558.1, residues 85-105): PLWLIKERVK[Glu95Gly]HFYKQYVGRF